The following is an entry in ClinVar:

NM_005591.4(MRE11):c.45A>G (p.Ile15Met)

Gene: MRE11 (MRE11 double strand break repair nuclease; minus strand). Cytogenetic location: 11q21.
Variant type: single nucleotide variant.
Coding change: c.45A>G on transcript NM_005591.4 (MANE Select); coding-DNA position 45, A replaced by G.
Protein change: p.Ile15Met; replaces isoleucine 15 with methionine.
Molecular consequence: missense variant.
Genome position (GRCh38, 1-based): chr11:94,490,941, T>C on the plus strand (A>G on the coding strand, the complement: MRE11 is on the minus strand). VCF-style: chr11-94490941-T-C. GRCh37 (hg19) VCF-style: chr11-94224107-T-C.
Other names: c.45A>G, p.Ile15Met (NM_001330347.2, NM_005590.4); short protein forms I15M.
Identifiers: ClinVar variation 184884 (VCV000184884.6), dbSNP rs786201764, ClinGen allele CA190375.
Genomic context (GRCh38, chr11:94,490,941, plus strand): 5'-ATCATTTCCTCTGACTGCATCTTTCTCCATAAATCCAAGATGAATATCTGTTGCAACTAA[T>C]ATTTTAAATGTGTTTTCATCATCACTATATTAAGAAAGAAGAAACATTTCAATATATTAA-3'
Protein context (NP_005582.1, residues 5-25): DALDDENTFK[Ile15Met]LVATDIHLGF

ClinVar aggregate classification (germline): Uncertain significance (1 of 4 stars; one submission).

Conditions:
Hereditary cancer-predisposing syndrome. Also called: Hereditary neoplastic syndrome; Neoplastic Syndromes, Hereditary; Tumor predisposition; Hereditary Cancer Syndrome. Identifiers: Orphanet 140162, MedGen C0027672, MeSH D009386, MONDO:0015356.

Allele frequency attached by ClinVar (database versions not stated): gnomAD exomes below 0.00001.
gnomAD v4.1: 6 of 1,503,526 alleles (0.0004%); highest among the groups gnomAD compares: Non-Finnish European, 0.00046%; no homozygotes.

Submission:

Ambry Genetics
Classification: Uncertain significance for Hereditary cancer-predisposing syndrome. Last evaluated: 2025-09-13. Review status: criteria provided, single submitter. Criteria: Ambry Variant Classification Scheme 2023. Collection method: clinical testing. Allele origin: germline.
Comment: The p.I15M variant (also known as c.45A>G), located in coding exon 2 of the MRE11A gene, results from an A to G substitution at nucleotide position 45. The isoleucine at codon 15 is replaced by methionine, an amino acid with highly similar properties. This amino acid position is highly conserved in available vertebrate species. In addition, this alteration is predicted to be deleterious by in silico analysis. Since supporting evidence is limited at this time, the clinical significance of this alteration remains unclear.